The following is an entry in ClinVar:

ClinVar aggregate classification (germline): Uncertain significance. Review status: criteria provided, multiple submitters, no conflicts (2 of 4 stars). 3 submissions from 3 submitters: Uncertain significance (3). Last evaluated 2023-05-09.

Conditions:
Retinitis pigmentosa 69 (RP69). Identifiers: Orphanet 791, MedGen C4014312, MONDO:0014345, OMIM 615780.

Allele frequency attached by ClinVar (database versions not stated): gnomAD exomes below 0.00001 and 0.00004; gnomAD 0.00008 and 0.00009; ExAC 0.00009; TOPMed 0.00011; 1000 Genomes Project 30x 0.00016; 1000 Genomes Project 0.00020; ESP Exome Variant Server 0.00025.

Submissions (3):

Blueprint Genetics
Classification: Uncertain significance. Last evaluated: 2023-05-09. Review status: criteria provided, single submitter. Criteria: ACMG Guidelines, 2015. Collection method: clinical testing. Allele origin: germline.

Labcorp Genetics (formerly Invitae), Labcorp
Classification: Uncertain significance. Last evaluated: 2022-09-27. Review status: criteria provided, single submitter. Criteria: Invitae Variant Classification Sherloc (09022015). Collection method: clinical testing. Allele origin: germline.
Comment: This sequence change replaces threonine with isoleucine at codon 95 of the KIZ protein (p.Thr95Ile). This variant is present in population databases (rs367970443, gnomAD 0.04%). This variant has not been reported in the literature in individuals affected with KIZ-related conditions. ClinVar contains an entry for this variant (Variation ID: 1480625). Experimental studies and prediction algorithms are not available or were not evaluated, and the functional significance of this variant is currently unknown. In summary, the available evidence is currently insufficient to determine the role of this variant in disease. Therefore, it has been classified as a Variant of Uncertain Significance.

Fulgent Genetics
Classification: Uncertain significance for Retinitis pigmentosa 69. Last evaluated: 2021-11-10. Review status: criteria provided, single submitter. Criteria: ACMG Guidelines, 2015. Collection method: clinical testing. Allele origin: unknown.

NM_018474.6(KIZ):c.284C>T (p.Thr95Ile)

Genes: KIZ (kizuna centrosomal protein; plus strand), LOC130065509 (ATAC-STARR-seq lymphoblastoid active region 17619; plus strand). Cytogenetic location: 20p11.23.
Variant type: single nucleotide variant.
Coding change: c.284C>T on transcript NM_018474.6 (MANE Select); coding-DNA position 284, C replaced by T.
Protein change: p.Thr95Ile; replaces threonine 95 with isoleucine.
Molecular consequence: missense variant. On other transcripts: 5 prime UTR variant (1), intron variant (4).
Genome position (GRCh38, 1-based): chr20:21,136,521, C>T. VCF-style: chr20-21136521-C-T. GRCh37 (hg19) VCF-style: chr20-21117162-C-T.
Other names: c.284C>T, p.Thr95Ile (NM_001352434.2); c.-103C>T (NM_001352436.2); c.169-9044C>T (NM_001276389.2); c.6+4362C>T (NM_001163022.3, NM_001352435.2, NM_001163023.3); short protein forms T95I.
Identifiers: ClinVar variation 1480625 (VCV001480625.5), dbSNP rs367970443, ClinGen allele CA9784611.